The following is an entry in ClinVar:

NM_005343.4(HRAS):c.278T>C (p.Ile93Thr)

Genes: HRAS (HRas proto-oncogene, GTPase; minus strand), LRRC56 (leucine rich repeat containing 56; plus strand). Cytogenetic location: 11p15.5.
Variant type: single nucleotide variant.
Coding change: c.278T>C on transcript NM_005343.4 (MANE Select); coding-DNA position 278, T replaced by C.
Protein change: p.Ile93Thr; replaces isoleucine 93 with threonine.
Molecular consequence: missense variant. On other transcripts: 5 prime UTR variant (1).
Genome position (GRCh38, 1-based): chr11:533,778, A>G on the plus strand (T>C on the coding strand, the complement: HRAS is on the minus strand). VCF-style: chr11-533778-A-G. GRCh37 (hg19) VCF-style: chr11-533778-A-G.
Other names: c.278T>C, p.Ile93Thr (NM_001130442.3, NM_176795.5); c.-42T>C (NM_001318054.2); short protein forms I93T.
Identifiers: ClinVar variation 1339457 (VCV001339457.3), dbSNP rs2133989896, ClinGen allele CA378924328.

ClinVar aggregate classification (germline): Uncertain significance (1 of 4 stars; one submission).

Conditions:
Parathyroid gland adenoma. Also called: Parathyroid adenoma. Identifiers: MedGen C0262587, MONDO:0006890, HP:0002897.
Hypophosphatemic rickets. Identifiers: MedGen C1704375, MeSH D063730, MONDO:0024300, HP:0004912.

Submission:

Laboratory of Cyto-molecular Genetics, Department of Anatomy, All India Institute of Medical Sciences (AIIMS), New Delhi
Classification: Uncertain significance for Parathyroid gland adenoma; Hypophosphatemic rickets. Last evaluated: 2022-02-07. Review status: criteria provided, single submitter. Criteria: ACMG Guidelines, 2015. Collection method: clinical testing. Allele origin: unknown. Affected: yes. Observed: 1 variant allele.
Comment: p.(Ile93Thr); missense variant

Literature cited by the submitters: PubMed 35738466.